The following is an entry in ClinVar:

NM_001110556.2(FLNA):c.1322C>T (p.Thr441Ile)

Gene: FLNA (filamin A; minus strand). Cytogenetic location: Xq28.
Variant type: single nucleotide variant.
Coding change: c.1322C>T on transcript NM_001110556.2 (MANE Select); coding-DNA position 1322, C replaced by T.
Protein change: p.Thr441Ile; replaces threonine 441 with isoleucine.
Molecular consequence: missense variant.
Genome position (GRCh38, 1-based): chrX:154,366,131, G>A on the plus strand (C>T on the coding strand, the complement: FLNA is on the minus strand). VCF-style: chrX-154366131-G-A. GRCh37 (hg19) VCF-style: chrX-153594499-G-A.
Other names: c.1322C>T, p.Thr441Ile (NM_001456.4); short protein forms T441I.
Identifiers: ClinVar variation 1938953 (VCV001938953.5), dbSNP rs2067757634, ClinGen allele CA415243828.

ClinVar aggregate classification (germline): Uncertain significance (1 of 4 stars; one submission).

Conditions:
Heterotopia, periventricular, X-linked dominant (PVNH1). Also called: PERIVENTRICULAR NODULAR HETEROTOPIA 1; PERIVENTRICULAR NODULAR HETEROTOPIA 4; HETEROTOPIA, PERIVENTRICULAR, 1; X-linked periventricular heterotopia. Identifiers: Orphanet 2149, Orphanet 82004, MedGen C1848213, MONDO:0010233, OMIM 300049.
Melnick-Needles syndrome (MNS). Also called: Melnick-Needles Syndrome (FLNA-MNS); MELNICK-NEEDLES OSTEODYSPLASTY; OSTEODYSPLASTY OF MELNICK AND NEEDLES. Identifiers: Orphanet 2484, MedGen C0025237, MONDO:0010650, OMIM 309350.
Oto-palato-digital syndrome, type II (OPD2). Also called: Otopalatodigital Syndrome Type 2 (FLNA-OPD2); FACIOPALATOOSSEOUS SYNDROME; OPD II SYNDROME; Otopalatodigital Syndrome, Type II. Identifiers: Orphanet 669, Orphanet 90652, MedGen C1844696, MONDO:0010571, OMIM 304120.
Frontometaphyseal dysplasia (FMD1). Identifiers: Orphanet 1826, MedGen C0265293, MONDO:0015942.

Allele frequency attached by ClinVar (database versions not stated): TOPMed 0.00001.

Submission:

Labcorp Genetics (formerly Invitae), Labcorp
Classification: Uncertain significance for Oto-palato-digital syndrome, type II; Heterotopia, periventricular, X-linked dominant; Frontometaphyseal dysplasia; Melnick-Needles syndrome. Last evaluated: 2023-07-25. Review status: criteria provided, single submitter. Criteria: Invitae Variant Classification Sherloc (09022015). Collection method: clinical testing. Allele origin: germline.
Comment: This sequence change replaces threonine, which is neutral and polar, with isoleucine, which is neutral and non-polar, at codon 441 of the FLNA protein (p.Thr441Ile). This variant is not present in population databases (gnomAD no frequency). This variant has not been reported in the literature in individuals affected with FLNA-related conditions. ClinVar contains an entry for this variant (Variation ID: 1938953). Advanced modeling of protein sequence and biophysical properties (such as structural, functional, and spatial information, amino acid conservation, physicochemical variation, residue mobility, and thermodynamic stability) performed at Invitae indicates that this missense variant is not expected to disrupt FLNA protein function. In summary, the available evidence is currently insufficient to determine the role of this variant in disease. Therefore, it has been classified as a Variant of Uncertain Significance.